The following is an entry in ClinVar:

NM_133433.4(NIPBL):c.8152_8158del (p.Tyr2718fs)

Gene: NIPBL (NIPBL cohesin loading factor; plus strand). Cytogenetic location: 5p13.2.
Variant type: Deletion.
Coding change: c.8152_8158del on transcript NM_133433.4 (MANE Select); coding-DNA positions 8152 to 8158, 7 bases deleted (TACAAAG; older notation c.8152_8158delTACAAAG).
Protein change: p.Tyr2718fs; shifts the reading frame from tyrosine 2718.
Molecular consequence: frameshift variant. On other transcripts: 3 prime UTR variant (1).
Genome position (GRCh38, 1-based): chr5:37,064,629-37,064,635, TACAAAG deleted; deleting any 7 consecutive bases within chr5:37,064,624-37,064,635 gives the same sequence; the c. name uses the placement nearest the transcript's 3' end. VCF-style (leftmost placement, unchanged base first): chr5-37064623-CCAAAGTA-C. GRCh37 (hg19) VCF-style: chr5-37064725-CCAAAGTA-C.
Other names: c.*606_*612del (NM_015384.5); c.8152_8158delTACAAAG (NM_133433.3); short protein forms Y2718fs.
Identifiers: ClinVar variation 817851 (VCV000817851.2), dbSNP rs1579633695, ClinGen allele CA915943341.

ClinVar aggregate classification (germline): Pathogenic (1 of 4 stars; one submission).

Submission:

GeneDx
Classification: Pathogenic. Last evaluated: 2020-03-13. Review status: criteria provided, single submitter. Criteria: GeneDx Variant Classification Process June 2021. Collection method: clinical testing. Allele origin: germline. Affected: yes.
Comment: Frameshift variant predicted to result in protein truncation, as the last 87 amino acids are replaced with 7 different amino acids, and other loss-of-function variants have been reported downstream in the Human Gene Mutation Database (Stenson et al., 2014); Not observed in large population cohorts (Lek et al., 2016); Has not been previously published as pathogenic or benign to our knowledge